The following is an entry in ClinVar:

NM_000018.4(ACADVL):c.1250T>G (p.Ile417Ser)

Gene: ACADVL (acyl-CoA dehydrogenase very long chain; plus strand). Cytogenetic location: 17p13.1.
Variant type: single nucleotide variant.
Coding change: c.1250T>G on transcript NM_000018.4 (MANE Select); coding-DNA position 1250, T replaced by G.
Protein change: p.Ile417Ser; replaces isoleucine 417 with serine.
Molecular consequence: missense variant.
Genome position (GRCh38, 1-based): chr17:7,223,711, T>G. VCF-style: chr17-7223711-T-G. GRCh37 (hg19) VCF-style: chr17-7127030-T-G.
Other names: c.1184T>G, p.Ile395Ser (NM_001033859.3); c.1319T>G, p.Ile440Ser (NM_001270447.2); c.1022T>G, p.Ile341Ser (NM_001270448.2); short protein forms I395S, I417S, I341S, I440S.
Identifiers: ClinVar variation 956094 (VCV000956094.7), dbSNP rs2071340219, ClinGen allele CA397724687.

ClinVar aggregate classification (germline): Uncertain significance (1 of 4 stars; one submission).

Conditions:
Very long chain acyl-CoA dehydrogenase deficiency (ACADVLD). Also called: VLCAD Deficiency; Very Long-Chain Acyl-Coenzyme A Dehydrogenase Deficiency. Identifiers: Orphanet 26793, MedGen C3887523, MONDO:0008723, OMIM 201475.

Submission:

Labcorp Genetics (formerly Invitae), Labcorp
Classification: Uncertain significance for Very long chain acyl-CoA dehydrogenase deficiency. Last evaluated: 2021-08-28. Review status: criteria provided, single submitter. Criteria: Invitae Variant Classification Sherloc (09022015). Collection method: clinical testing. Allele origin: germline.
Comment: This sequence change replaces isoleucine with serine at codon 417 of the ACADVL protein (p.Ile417Ser). The isoleucine residue is highly conserved and there is a large physicochemical difference between isoleucine and serine. This variant is not present in population databases (ExAC no frequency). This variant has not been reported in the literature in individuals affected with ACADVL-related conditions. Algorithms developed to predict the effect of missense changes on protein structure and function are either unavailable or do not agree on the potential impact of this missense change (SIFT: "Deleterious"; PolyPhen-2: "Possibly Damaging"; Align-GVGD: "Class C15"). In summary, the available evidence is currently insufficient to determine the role of this variant in disease. Therefore, it has been classified as a Variant of Uncertain Significance.